The following is an entry in ClinVar:

NM_002025.4(AFF2):c.2132T>C (p.Ile711Thr)

Gene: AFF2 (ALF transcription elongation factor 2; plus strand). Cytogenetic location: Xq28.
Variant type: single nucleotide variant.
Coding change: c.2132T>C on transcript NM_002025.4 (MANE Select); coding-DNA position 2132, T replaced by C.
Protein change: p.Ile711Thr; replaces isoleucine 711 with threonine.
Molecular consequence: missense variant.
Genome position (GRCh38, 1-based): chrX:148,956,177, T>C. VCF-style: chrX-148956177-T-C. GRCh37 (hg19) VCF-style: chrX-148037707-T-C.
Other names: c.2033T>C, p.Ile678Thr (NM_001169122.2); c.2102T>C, p.Ile701Thr (NM_001169123.2); c.2027T>C, p.Ile676Thr (NM_001169124.2); c.2015T>C, p.Ile672Thr (NM_001169125.2); c.1055T>C, p.Ile352Thr (NM_001170628.1); short protein forms I352T, I676T, I711T, I678T, I672T, I701T.
Identifiers: ClinVar variation 2281210 (VCV002281210.4), dbSNP rs966788952, ClinGen allele CA337003414.

ClinVar aggregate classification (germline): Conflicting classifications of pathogenicity. Review status: criteria provided, conflicting classifications (1 of 4 stars). 3 submissions from 3 submitters: Uncertain significance (2); Likely benign (1). Last evaluated 2026-09-01.

Conditions:
Inborn genetic diseases. Identifiers: MedGen C0950123, MeSH D030342.

Allele frequency attached by ClinVar (database versions not stated): gnomAD exomes 0.00001; TOPMed 0.00001; gnomAD 0.00002.
gnomAD v4.1: 11 of 1,208,389 alleles (0.00091%); highest among the groups gnomAD compares: Middle Eastern, 0.046%; no homozygotes.

Submissions (3):

CeGaT Center for Human Genetics Tuebingen
Classification: Uncertain significance. Last evaluated: 2026-09-01. Review status: criteria provided, single submitter. Criteria: CeGaT Center For Human Genetics Tuebingen Variant Classification Criteria Version 2. Collection method: clinical testing. Allele origin: germline. Affected: yes. Observed: 1 variant allele.

Women's Health and Genetics/Laboratory Corporation of America, LabCorp
Classification: Uncertain significance. Last evaluated: 2026-04-24. Review status: criteria provided, single submitter. Criteria: LabCorp Variant Classification Summary - May 2015. Collection method: clinical testing. Allele origin: germline.
Comment: Variant summary: AFF2 c.2132T>C (p.Ile711Thr) results in a non-conservative amino acid change in the encoded protein sequence. Algorithms developed to predict the effect of missense changes on protein structure and function are either unavailable or do not agree on the potential impact of this missense change. The variant allele was found at a frequency of 2.2e-05 in 183408 control chromosomes. The available data on variant occurrences in the general population are insufficient to allow any conclusion about variant significance. To our knowledge, no occurrence of c.2132T>C in individuals affected with AFF2-related conditions and no experimental evidence demonstrating its impact on protein function have been reported. ClinVar contains an entry for this variant (Variation ID: 2281210). Based on the evidence outlined above, the variant was classified as uncertain significance.

Ambry Genetics
Classification: Likely benign for Inborn genetic diseases. Last evaluated: 2022-04-06. Review status: criteria provided, single submitter. Criteria: Ambry Variant Classification Scheme 2023. Collection method: clinical testing. Allele origin: germline.